The following is an entry in ClinVar:

ClinVar aggregate classification (germline): Pathogenic (1 of 4 stars; one submission).

Conditions:
Glycogen storage disease IV, classic hepatic. Also called: GSD IV, CLASSIC HEPATIC. Identifiers: MedGen C1856301.
Glycogen storage disease, type IV (GSD4). Also called: AMYLOPECTINOSIS; ANDERSEN DISEASE; BRANCHER DEFICIENCY; CIRRHOSIS, FAMILIAL, WITH DEPOSITION OF ABNORMAL GLYCOGEN; GBE1 DEFICIENCY; GLYCOGEN BRANCHING ENZYME DEFICIENCY. Identifiers: Orphanet 367, MedGen C0017923, MONDO:0009292, OMIM 232500.

Submission:

Labcorp Genetics (formerly Invitae), Labcorp
Classification: Pathogenic for Glycogen storage disease, type IV; Glycogen storage disease IV, classic hepatic. Last evaluated: 2023-04-03. Review status: criteria provided, single submitter. Criteria: Invitae Variant Classification Sherloc (09022015). Collection method: clinical testing. Allele origin: unknown.
Comment: For these reasons, this variant has been classified as Pathogenic. This variant disrupts a region of the GBE1 protein in which other variant(s) (p.His628Arg) have been determined to be pathogenic (PMID: 15452297, 26886200, 27243974, 33332610). This suggests that this is a clinically significant region of the protein, and that variants that disrupt it are likely to be disease-causing. This variant has not been reported in the literature in individuals affected with GBE1-related conditions. This variant is a gross deletion of the genomic region encompassing exon(s) 8-16 of the GBE1 gene, which includes the termination codon. This deletion extends beyond the assayed region for this gene and therefore may encompass additional genes. While this deletion is not anticipated to lead to nonsense mediated decay, it is expected to alter mRNA translation or result in a truncated protein product.

Literature cited by the submitters: PubMed 15452297; PubMed 26886200; PubMed 27243974; PubMed 33332610.

NC_000003.11:g.(?_81539558)_(81643194_?)del

Gene: GBE1 (1,4-alpha-glucan branching enzyme 1; minus strand). Cytogenetic location: 3p12.2.
Variant type: Deletion.
Identifiers: ClinVar variation 3246831 (VCV003246831.1).